The following is an entry in ClinVar:

ClinVar aggregate classification (germline): Uncertain significance (1 of 4 stars; one submission).

Allele frequency attached by ClinVar (database versions not stated): gnomAD exomes below 0.00001.
gnomAD v4.1: 1 of 1,613,848 alleles (0.000062%); highest among the groups gnomAD compares: Non-Finnish European, 0.000085%; no homozygotes.

Submission:

Labcorp Genetics (formerly Invitae), Labcorp
Classification: Uncertain significance. Last evaluated: 2023-04-20. Review status: criteria provided, single submitter. Criteria: Invitae Variant Classification Sherloc (09022015). Collection method: clinical testing. Allele origin: germline.
Comment: This variant is present in population databases (no rsID available, gnomAD 0.0009%). In summary, the available evidence is currently insufficient to determine the role of this variant in disease. Therefore, it has been classified as a Variant of Uncertain Significance. Advanced modeling of protein sequence and biophysical properties (such as structural, functional, and spatial information, amino acid conservation, physicochemical variation, residue mobility, and thermodynamic stability) performed at Invitae indicates that this missense variant is expected to disrupt NCSTN protein function. This variant has not been reported in the literature in individuals affected with NCSTN-related conditions. This sequence change replaces glutamine, which is neutral and polar, with histidine, which is basic and polar, at codon 59 of the NCSTN protein (p.Gln59His).

NM_015331.3(NCSTN):c.177G>C (p.Gln59His)

Gene: NCSTN (nicastrin; plus strand). Cytogenetic location: 1q23.2.
Variant type: single nucleotide variant.
Coding change: c.177G>C on transcript NM_015331.3 (MANE Select); coding-DNA position 177, G replaced by C.
Protein change: p.Gln59His; replaces glutamine 59 with histidine.
Molecular consequence: missense variant.
Genome position (GRCh38, 1-based): chr1:160,344,813, G>C. VCF-style: chr1-160344813-G-C. GRCh37 (hg19) VCF-style: chr1-160314603-G-C.
Other names: c.117G>C, p.Gln39His (NM_001290184.2); c.177G>C, p.Gln59His (NM_001290186.2, NM_001349729.2); short protein forms Q39H, Q59H.
Identifiers: ClinVar variation 2855334 (VCV002855334.3), dbSNP rs1364710518, ClinGen allele CA343275394.
Genomic context (GRCh38, chr1:160,344,813, plus strand): 5'-GATATATATCCCCTTAAATAAAACAGCTCCCTGTGTTCGCCTGCTCAACGCCACTCATCA[G>C]ATTGGCTGCCAGTGTGAGTTGAGATGGATTCATGTTTGTGGACATTGATATTTGTCTGTG-3'
Protein context (NP_056146.1, residues 49-69): PCVRLLNATH[Gln59His]IGCQSSISGD